The following is an entry in ClinVar:

ClinVar aggregate classification (germline): Uncertain significance (1 of 4 stars; one submission).

Submission:

GeneDx
Classification: Uncertain significance. Last evaluated: 2025-05-15. Review status: criteria provided, single submitter. Criteria: GeneDx Variant Classification Process June 2021. Collection method: clinical testing. Allele origin: germline. Affected: yes.
Comment: In silico analysis suggests that this missense variant does not alter protein structure/function; Has not been previously published as pathogenic or benign to our knowledge

NM_003036.4(SKI):c.1309G>T (p.Ala437Ser)

Gene: SKI (SKI proto-oncogene; plus strand). Cytogenetic location: 1p36.32.
Variant type: single nucleotide variant.
Coding change: c.1309G>T on transcript NM_003036.4 (MANE Select); coding-DNA position 1309, G replaced by T.
Protein change: p.Ala437Ser; replaces alanine 437 with serine.
Molecular consequence: missense variant.
Genome position (GRCh38, 1-based): chr1:2,303,937, G>T. VCF-style: chr1-2303937-G-T. GRCh37 (hg19) VCF-style: chr1-2235376-G-T.
Other names: short protein forms A437S.
Identifiers: ClinVar variation 4529602 (VCV004529602.1).